The following is an entry in ClinVar:

ClinVar aggregate classification (germline): Uncertain significance (1 of 4 stars; one submission).

Allele frequency attached by ClinVar (database versions not stated): gnomAD exomes below 0.00001; TOPMed 0.00001.
gnomAD v4.1: 3 of 1,567,772 alleles (0.00019%); highest among the groups gnomAD compares: Admixed American, 0.0017%; no homozygotes.

Submission:

Ambry Genetics
Classification: Uncertain significance. Last evaluated: 2023-10-31. Review status: criteria provided, single submitter. Criteria: Ambry Variant Classification Scheme 2023. Collection method: clinical testing. Allele origin: germline.
Comment: The p.I2197V variant (also known as c.6589A>G), located in coding exon 22 of the POLQ gene, results from an A to G substitution at nucleotide position 6589. The isoleucine at codon 2197 is replaced by valine, an amino acid with highly similar properties. This amino acid position is conserved. In addition, this alteration is predicted to be tolerated by in silico analysis. Since supporting evidence is limited at this time, the clinical significance of this alteration remains unclear.

NM_199420.4(POLQ):c.6589A>G (p.Ile2197Val)

Gene: POLQ (DNA polymerase theta; minus strand). Cytogenetic location: 3q13.33.
Variant type: single nucleotide variant.
Coding change: c.6589A>G on transcript NM_199420.4 (MANE Select); coding-DNA position 6589, A replaced by G.
Protein change: p.Ile2197Val; replaces isoleucine 2197 with valine.
Molecular consequence: missense variant.
Genome position (GRCh38, 1-based): chr3:121,472,119, T>C on the plus strand (A>G on the coding strand, the complement: POLQ is on the minus strand). VCF-style: chr3-121472119-T-C. GRCh37 (hg19) VCF-style: chr3-121190966-T-C.
Other names: short protein forms I2197V.
Identifiers: ClinVar variation 1754334 (VCV001754334.2), dbSNP rs1443695689, ClinGen allele CA354085516.
Genomic context (GRCh38, chr3:121,472,119, plus strand): 5'-CCCGCTGAAGGGGAAAGACCACTTTGGTAATAGCATTAGTGATTCTTCTCCATTCTAATA[T>C]CAAGCCTGGTAAAGGATGTAATGCCTTTAATTTATTTAAAACGTCCTGCCAAAAAAATAT-3'
Protein context (NP_955452.3, residues 2187-2207): LKALHPLPGL[Ile2197Val]LEWRRITNAI